The following is an entry in ClinVar:

ClinVar aggregate classification (germline): Uncertain significance. Review status: criteria provided, multiple submitters, no conflicts (2 of 4 stars). 2 submissions from 2 submitters: Uncertain significance (2). Last evaluated 2024-12-24.

Conditions:
Cystic fibrosis (CF). Also called: MUCOVISCIDOSIS. Identifiers: Orphanet 586, MedGen C0010674, MONDO:0009061, OMIM 219700. Disease mechanism: loss of function.

Allele frequency attached by ClinVar (database versions not stated): gnomAD exomes below 0.00001; gnomAD 0.00001; TOPMed 0.00001.
gnomAD v4.1: 4 of 1,613,206 alleles (0.00025%); highest among the groups gnomAD compares: Admixed American, 0.0017%; no homozygotes.

Submissions (2):

Labcorp Genetics (formerly Invitae), Labcorp
Classification: Uncertain significance for Cystic fibrosis. Last evaluated: 2024-12-24. Review status: criteria provided, single submitter. Criteria: Invitae Variant Classification Sherloc (09022015). Collection method: clinical testing. Allele origin: germline.
Comment: This sequence change replaces valine, which is neutral and non-polar, with leucine, which is neutral and non-polar, at codon 1240 of the CFTR protein (p.Val1240Leu). This variant is not present in population databases (gnomAD no frequency). This variant has not been reported in the literature in individuals affected with CFTR-related conditions. ClinVar contains an entry for this variant (Variation ID: 1734257). An algorithm developed to predict the effect of missense changes on protein structure and function (PolyPhen-2) suggests that this variant is likely to be tolerated. This variant disrupts the p.Val1240 amino acid residue in CFTR. Other variant(s) that disrupt this residue have been determined to be pathogenic (PMID: 20059485, 22892530, 23974870, 30888834; internal data). This suggests that this residue is clinically significant, and that variants that disrupt this residue are likely to be disease-causing. In summary, the available evidence is currently insufficient to determine the role of this variant in disease. Therefore, it has been classified as a Variant of Uncertain Significance.

Ambry Genetics
Classification: Uncertain significance for Cystic fibrosis. Last evaluated: 2022-05-02. Review status: criteria provided, single submitter. Criteria: Ambry Variant Classification Scheme 2023. Collection method: clinical testing. Allele origin: germline.
Comment: The p.V1240L variant (also known as c.3718G>T), located in coding exon 23 of the CFTR gene, results from a G to T substitution at nucleotide position 3718. This variant impacts the first base pair of coding exon 23. The valine at codon 1240 is replaced by leucine, an amino acid with highly similar properties. This amino acid position is well conserved in available vertebrate species. In addition, this alteration is predicted to be deleterious by in silico analysis. Since supporting evidence is limited at this time, the clinical significance of this alteration remains unclear.

Literature cited by the submitters: PubMed 20059485 (cited by Labcorp Genetics (formerly Invitae), Labcorp); PubMed 22892530 (cited by Labcorp Genetics (formerly Invitae), Labcorp); PubMed 23974870 (cited by Labcorp Genetics (formerly Invitae), Labcorp); PubMed 30888834 (cited by Labcorp Genetics (formerly Invitae), Labcorp).

NM_000492.4(CFTR):c.3718G>T (p.Val1240Leu)

Genes: CFTR (CF transmembrane conductance regulator; plus strand), CFTR-AS2 (CFTR antisense RNA 2; minus strand). Cytogenetic location: 7q31.2.
Variant type: single nucleotide variant.
Coding change: c.3718G>T on transcript NM_000492.4 (MANE Select); coding-DNA position 3718, G replaced by T.
Protein change: p.Val1240Leu; replaces valine 1240 with leucine.
Molecular consequence: missense variant.
Genome position (GRCh38, 1-based): chr7:117,642,438, G>T. VCF-style: chr7-117642438-G-T. GRCh37 (hg19) VCF-style: chr7-117282492-G-T.
Other names: short protein forms V1240L.
Identifiers: ClinVar variation 1734257 (VCV001734257.4), dbSNP rs1325095190, ClinGen allele CA368974400.
Genomic context (GRCh38, chr7:117,642,438, plus strand): 5'-TATGTTTATGGCATGGTACCTATATGTCACAGAAGTGATCCCATCACTTTTACCTTATAG[G>T]TGGGCCTCTTGGGAAGAACTGGATCAGGGAAGAGTACTTTGTTATCAGCTTTTTTGAGAC-3'
Protein context (NP_000483.3, residues 1230-1250): ISFSISPGQR[Val1240Leu]GLLGRTGSGK